The following is an entry in ClinVar:

ClinVar aggregate classification (germline): Uncertain significance (1 of 4 stars; one submission).

Allele frequency attached by ClinVar (database versions not stated): TOPMed 0.00001.

Submission:

GeneDx
Classification: Uncertain significance. Last evaluated: 2023-07-24. Review status: criteria provided, single submitter. Criteria: GeneDx Variant Classification Process June 2021. Collection method: clinical testing. Allele origin: germline.
Comment: Not observed at significant frequency in large population cohorts (gnomAD); In silico analysis supports that this missense variant does not alter protein structure/function; Has not been previously published as pathogenic or benign to our knowledge

NM_001385012.1(NBEA):c.3247G>T (p.Gly1083Cys)

Gene: NBEA (neurobeachin; plus strand). Cytogenetic location: 13q13.3.
Variant type: single nucleotide variant.
Coding change: c.3247G>T on transcript NM_001385012.1 (MANE Select); coding-DNA position 3247, G replaced by T.
Protein change: p.Gly1083Cys; replaces glycine 1083 with cysteine.
Molecular consequence: missense variant.
Genome position (GRCh38, 1-based): chr13:35,159,418, G>T. VCF-style: chr13-35159418-G-T. GRCh37 (hg19) VCF-style: chr13-35733555-G-T.
Other names: c.3247G>T, p.Gly1083Cys (NM_001379245.1, NM_015678.5); short protein forms G1083C.
Identifiers: ClinVar variation 1801029 (VCV001801029.2), dbSNP rs2069399871, ClinGen allele CA387837226.